The following is an entry in ClinVar:

ClinVar aggregate classification (germline): Uncertain significance (0 of 4 stars; one submission).

Submission:

Martin Pollak Laboratory,  Beth Israel Deaconess Medical Center
Classification: Uncertain significance. Review status: no assertion criteria provided. Collection method: not provided. Allele origin: unknown.
Comment: Lower UCa2+ group
ClinVar note: Converted during submission from unknown to Uncertain significance.

NM_005984.5(SLC25A1):c.286C>T (p.Pro96Ser)

Gene: SLC25A1 (solute carrier family 25 member 1; minus strand). Cytogenetic location: 22q11.21.
Variant type: single nucleotide variant.
Coding change: c.286C>T on transcript NM_005984.5 (MANE Select); coding-DNA position 286, C replaced by T.
Protein change: p.Pro96Ser; replaces proline 96 with serine.
Molecular consequence: missense variant. On other transcripts: 5 prime UTR variant (1), non-coding transcript variant (1).
Genome position (GRCh38, 1-based): chr22:19,177,958, G>A on the plus strand (C>T on the coding strand, the complement: SLC25A1 is on the minus strand). VCF-style: chr22-19177958-G-A. GRCh37 (hg19) VCF-style: chr22-19165471-G-A.
Other names: c.307C>T, p.Pro103Ser (NM_001256534.2); c.-24C>T (NM_001287387.2); short protein forms P96S, P103S.
Identifiers: ClinVar variation 64561 (VCV000064561.2), dbSNP rs387907476, ClinGen allele CA216407.